The following is an entry in ClinVar:

NM_144643.4(SCLT1):c.1887G>A (p.Met629Ile)

Gene: SCLT1 (sodium channel and clathrin linker 1; minus strand). Cytogenetic location: 4q28.2.
Variant type: single nucleotide variant.
Coding change: c.1887G>A on transcript NM_144643.4 (MANE Select); coding-DNA position 1887, G replaced by A.
Protein change: p.Met629Ile; replaces methionine 629 with isoleucine.
Molecular consequence: missense variant.
Genome position (GRCh38, 1-based): chr4:128,891,080, C>T on the plus strand (G>A on the coding strand, the complement: SCLT1 is on the minus strand). VCF-style: chr4-128891080-C-T. GRCh37 (hg19) VCF-style: chr4-129812235-C-T.
Other names: short protein forms M629I.
Identifiers: ClinVar variation 3344711 (VCV003344711.1).
Genomic context (GRCh38, chr4:128,891,080, plus strand): 5'-TGCAGCAGAAAGCACTTCCCAGGGGAGTCATTATCTCACCTCAGCTACCTTTTCATTTGC[C>T]ATTTCCAGCTGAGAAAGCAGCTCTTGGGTATGAAGTTTCTGTCGACTCAGCTCACTCCTA-3'
Protein context (NP_653244.2, residues 619-639): HTQELLSQLE[Met629Ile]ANEKVAENEK

ClinVar aggregate classification (germline): Uncertain significance (0 of 4 stars; one submission).

Conditions:
SCLT1-related disorder. Also called: SCLT1-related condition.

gnomAD v4.1: 2 of 1,612,770 alleles (0.00012%); highest among the groups gnomAD compares: African/African-American, 0.0027%; no homozygotes.

Submission:

PreventionGenetics, part of Exact Sciences
Classification: Uncertain significance for SCLT1-related condition. Last evaluated: 2024-09-26. Review status: no assertion criteria provided. Collection method: clinical testing. Allele origin: germline.
Comment: The SCLT1 c.1887G>A variant is predicted to result in the amino acid substitution p.Met629Ile. To our knowledge, this variant has not been reported in the literature. This variant is reported in 0.011% of alleles in individuals of African descent in gnomAD. At this time, the clinical significance of this variant is uncertain due to the absence of conclusive functional and genetic evidence.